The following is an entry in ClinVar:

ClinVar aggregate classification (germline): Uncertain significance. Review status: criteria provided, multiple submitters, no conflicts (2 of 4 stars). 2 submissions from 2 submitters: Uncertain significance (2). Last evaluated 2025-10-23.

Conditions:
Hereditary cancer-predisposing syndrome. Also called: Hereditary neoplastic syndrome; Neoplastic Syndromes, Hereditary; Hereditary Cancer Syndrome; Tumor predisposition. Identifiers: Orphanet 140162, MedGen C0027672, MeSH D009386, MONDO:0015356.

gnomAD v4.1: 5 of 1,613,494 alleles (0.00031%); highest among the groups gnomAD compares: Non-Finnish European, 0.00042%; no homozygotes.

Submissions (2):

Ambry Genetics
Classification: Uncertain significance for Hereditary cancer-predisposing syndrome. Last evaluated: 2025-10-23. Review status: criteria provided, single submitter. Criteria: Ambry Variant Classification Scheme 2023. Collection method: clinical testing. Allele origin: germline.
Comment: The p.L2219V variant (also known as c.6655C>G), located in coding exon 47 of the POLE gene, results from a C to G substitution at nucleotide position 6655. The leucine at codon 2219 is replaced by valine, an amino acid with highly similar properties. This amino acid position is conserved. In addition, this alteration is predicted to be tolerated by in silico analysis. Since supporting evidence is limited at this time, the clinical significance of this alteration remains unclear.

Labcorp Genetics (formerly Invitae), Labcorp
Classification: Uncertain significance. Last evaluated: 2025-07-31. Review status: criteria provided, single submitter. Criteria: Invitae Variant Classification Sherloc (09022015). Collection method: clinical testing. Allele origin: germline.
Comment: This sequence change replaces leucine, which is neutral and non-polar, with valine, which is neutral and non-polar, at codon 2219 of the POLE protein (p.Leu2219Val). This variant is not present in population databases (gnomAD no frequency). This variant has not been reported in the literature in individuals affected with POLE-related conditions. ClinVar contains an entry for this variant (Variation ID: 659176). An algorithm developed to predict the effect of missense changes on protein structure and function (PolyPhen-2) suggests that this variant is likely to be tolerated. In summary, the available evidence is currently insufficient to determine the role of this variant in disease. Therefore, it has been classified as a Variant of Uncertain Significance.

NM_006231.4(POLE):c.6655C>G (p.Leu2219Val)

Gene: POLE (DNA polymerase epsilon, catalytic subunit; minus strand). Cytogenetic location: 12q24.33.
Variant type: single nucleotide variant.
Coding change: c.6655C>G on transcript NM_006231.4 (MANE Select); coding-DNA position 6655, C replaced by G.
Protein change: p.Leu2219Val; replaces leucine 2219 with valine.
Molecular consequence: missense variant.
Genome position (GRCh38, 1-based): chr12:132,625,647, G>C on the plus strand (C>G on the coding strand, the complement: POLE is on the minus strand). VCF-style: chr12-132625647-G-C. GRCh37 (hg19) VCF-style: chr12-133202233-G-C.
Other names: c.6655C>G (NM_006231.2); short protein forms L2219V.
Identifiers: ClinVar variation 659176 (VCV000659176.12), dbSNP rs1347301977, ClinGen allele CA387366397.